The following is an entry in ClinVar:

NM_001242896.3(DEPDC5):c.2990G>A (p.Arg997His)

Gene: DEPDC5 (DEP domain containing 5, GATOR1 subcomplex subunit; plus strand). Cytogenetic location: 22q12.3.
Variant type: single nucleotide variant.
Coding change: c.2990G>A on transcript NM_001242896.3 (MANE Select); coding-DNA position 2990, G replaced by A.
Protein change: p.Arg997His; replaces arginine 997 with histidine.
Molecular consequence: missense variant. On other transcripts: non-coding transcript variant (5).
Genome position (GRCh38, 1-based): chr22:31,845,206, G>A. VCF-style: chr22-31845206-G-A. GRCh37 (hg19) VCF-style: chr22-32241192-G-A.
Other names: c.2963G>A, p.Arg988His (NM_001136029.4, NM_001369903.1, NM_014662.6); c.2756G>A, p.Arg919His (NM_001242897.2, NM_001363854.2, NM_001364319.2); c.2990G>A, p.Arg997His (NM_001363852.2, NM_001364318.2, NM_001364320.2); c.2906G>A, p.Arg969His (NM_001369901.1, NM_001369902.1); c.2990G>A (NM_001242896.1); short protein forms R919H, R969H, R988H, R997H.
Identifiers: ClinVar variation 3362323 (VCV003362323.4).

ClinVar aggregate classification (germline): Uncertain significance. Review status: criteria provided, multiple submitters, no conflicts (2 of 4 stars). 2 submissions from 2 submitters: Uncertain significance (2). Last evaluated 2023-11-09.

Conditions:
Epilepsy, familial focal, with variable foci 1 (FFEVF1). Also called: DEPDC5-Related Epilepsy. Identifiers: MedGen C4551983, MONDO:0024556, OMIM 604364.

gnomAD v4.1: 1 of 1,614,138 alleles (0.000062%); highest among the groups gnomAD compares: South Asian, 0.0011%; no homozygotes.

Submissions (2):

GeneDx
Classification: Uncertain significance. Last evaluated: 2023-11-09. Review status: criteria provided, single submitter. Criteria: GeneDx Variant Classification Process June 2021. Collection method: clinical testing. Allele origin: germline. Affected: yes.
Comment: Not observed at significant frequency in large population cohorts (gnomAD); In silico analysis supports that this missense variant has a deleterious effect on protein structure/function; Has not been previously published as pathogenic or benign to our knowledge

Neuberg Centre For Genomic Medicine, NCGM
Classification: Uncertain significance for Epilepsy, familial focal, with variable foci 1. Last evaluated: 2023-06-02. Review status: criteria provided, single submitter. Criteria: ACMG Guidelines, 2015. Collection method: clinical testing. Allele origin: germline. Inheritance: Autosomal dominant inheritance. Affected: yes.
Comment: The observed missense c.2990G>A(p.Arg997His) variant in DEPDC5 gene has not been reported previously as a pathogenic variant nor as a benign variant, to our knowledge. This variant is absent in gnomAD Exomes. The amino acid Arg at position 997 is changed to a His changing protein sequence and it might alter its composition and physico-chemical properties. The amino acid change p.Arg997His in DEPDC5 is predicted as conserved by GERP++ and PhyloP across 100 vertebrates. Computational evidence (Polyphen - Benign, SIFT - Damaging, and MutationTaster - Disease causing) predicts conflicting evidence on protein structure and function for this variant. For these reasons, this variant has been classified as Uncertain Significance.